The following is an entry in ClinVar:

NM_001083962.2(TCF4):c.1165C>T (p.Arg389Cys)

Gene: TCF4 (transcription factor 4; minus strand). Cytogenetic location: 18q21.2.
Variant type: single nucleotide variant.
Coding change: c.1165C>T on transcript NM_001083962.2 (MANE Select); coding-DNA position 1165, C replaced by T.
Protein change: p.Arg389Cys; replaces arginine 389 with cysteine.
Molecular consequence: missense variant.
Genome position (GRCh38, 1-based): chr18:55,254,682, G>A on the plus strand (C>T on the coding strand, the complement: TCF4 is on the minus strand). VCF-style: chr18-55254682-G-A. GRCh37 (hg19) VCF-style: chr18-52921913-G-A.
Other names: c.685C>T, p.Arg229Cys (NM_001243234.2, NM_001243235.2, NM_001243236.2 and 1 more transcripts); c.1093C>T, p.Arg365Cys (NM_001306207.1, NM_001348218.2, NM_001348219.2 and 5 more transcripts); c.1090C>T, p.Arg364Cys (NM_001348220.1, NM_001369576.1, NM_001369577.1 and 6 more transcripts); c.1165C>T, p.Arg389Cys (NM_001369567.1, NM_001369568.1, NM_001369571.1 and 2 more transcripts); c.1162C>T, p.Arg388Cys (NM_001369569.1, NM_001369570.1, NM_001330604.3 and 2 more transcripts); c.1183C>T, p.Arg395Cys (NM_001243228.2); c.1156C>T, p.Arg386Cys (NM_001243230.2); c.1039C>T, p.Arg347Cys (NM_001243231.2, NM_001348211.2); and 6 more; short protein forms R173C, R228C, R229C, R259C, R318C, R347C, R364C, R365C.
Identifiers: ClinVar variation 1319340 (VCV001319340.16), dbSNP rs2145503179, ClinGen allele CA402533900.

ClinVar aggregate classification (germline): Pathogenic/Likely pathogenic. Review status: criteria provided, multiple submitters, no conflicts (2 of 4 stars). 5 submissions from 5 submitters: Pathogenic (2); Likely pathogenic (3). Last evaluated 2024-05-21.

Conditions:
Pitt-Hopkins syndrome (PTHS). Also called: ENCEPHALOPATHY, SEVERE EPILEPTIC, WITH AUTONOMIC DYSFUNCTION; MENTAL RETARDATION, SYNDROMAL, WITH INTERMITTENT HYPERVENTILATION. Identifiers: Orphanet 2896, MedGen C1970431, MONDO:0012589, OMIM 610954.

Submissions (5):

Labcorp Genetics (formerly Invitae), Labcorp
Classification: Pathogenic for Pitt-Hopkins syndrome. Last evaluated: 2024-05-21. Review status: criteria provided, single submitter. Criteria: Invitae Variant Classification Sherloc (09022015). Collection method: clinical testing. Allele origin: germline.
Comment: This sequence change replaces arginine, which is basic and polar, with cysteine, which is neutral and slightly polar, at codon 389 of the TCF4 protein (p.Arg389Cys). This variant is not present in population databases (gnomAD no frequency). This missense change has been observed in individual(s) with neurological disorder and/or Pitt-Hopkins syndrome (PMID: 34490615, 35908153). In at least one individual the variant was observed to be de novo. This variant is also known as c.1471C>T, p.(Arg491Cys). ClinVar contains an entry for this variant (Variation ID: 1319340). Advanced modeling of protein sequence and biophysical properties (such as structural, functional, and spatial information, amino acid conservation, physicochemical variation, residue mobility, and thermodynamic stability) has been performed at Invitae for this missense variant, however the output from this modeling did not meet the statistical confidence thresholds required to predict the impact of this variant on TCF4 protein function. For these reasons, this variant has been classified as Pathogenic.

DECIPHERD-UDD, Universidad del Desarrollo
Classification: Likely pathogenic for Pitt-Hopkins syndrome. Last evaluated: 2023-07-01. Review status: criteria provided, single submitter. Criteria: ACMG Guidelines, 2015. Collection method: research. Allele origin: de novo. Affected: yes.

Greenwood Genetic Center Diagnostic Laboratories, Greenwood Genetic Center
Classification: Pathogenic for Pitt-Hopkins syndrome. Last evaluated: 2023-05-10. Review status: criteria provided, single submitter. Criteria: ACMG Guidelines, 2015. Collection method: clinical testing. Allele origin: germline. Affected: yes.
Comment: PS2_Very Strong, PS4, PM2, PP2, PP3

Institute for Clinical Genetics, University Hospital TU Dresden, University Hospital TU Dresden
Classification: Likely pathogenic. Last evaluated: 2021-11-03. Review status: criteria provided, single submitter. Criteria: ACMG Guidelines, 2015. Collection method: clinical testing. Allele origin: germline.

Genetic Services Laboratory, University of Chicago
Classification: Likely pathogenic. Last evaluated: 2017-11-09. Review status: criteria provided, single submitter. Criteria: ACMG Guidelines, 2015. Collection method: clinical testing. Allele origin: germline. Affected: yes.

Literature cited by the submitters: PubMed 34490615 (cited by Labcorp Genetics (formerly Invitae), Labcorp); PubMed 35908153 (cited by Labcorp Genetics (formerly Invitae), Labcorp); PubMed 38177409 (cited by DECIPHERD-UDD, Universidad del Desarrollo).